The following is an entry in ClinVar:

NM_006765.4(TUSC3):c.286C>T (p.Gln96Ter)

Gene: TUSC3 (tumor suppressor candidate 3; plus strand). Cytogenetic location: 8p22.
Variant type: single nucleotide variant.
Coding change: c.286C>T on transcript NM_006765.4 (MANE Select); coding-DNA position 286, C replaced by T.
Protein change: p.Gln96Ter; replaces glutamine 96 with a stop codon.
Molecular consequence: nonsense. On other transcripts: 5 prime UTR variant (1), non-coding transcript variant (5), intron variant (1).
Genome position (GRCh38, 1-based): chr8:15,623,227, C>T. VCF-style: chr8-15623227-C-T. GRCh37 (hg19) VCF-style: chr8-15480736-C-T.
Other names: c.286C>T, p.Gln96Ter (NM_001356429.2, NM_001413583.1, NM_001413673.1 and 17 more transcripts); c.118C>T, p.Gln40Ter (NM_001413669.1, NM_001413671.1, NM_001413672.1); c.226C>T, p.Gln76Ter (NM_001413670.1); c.-29C>T (NM_001413677.1); c.-79-27470C>T (NM_001413678.1); short protein forms Q40*, Q76*, Q96*.
Identifiers: ClinVar variation 4813718 (VCV004813718.1).

ClinVar aggregate classification (germline): Likely pathogenic (1 of 4 stars; one submission).

Conditions:
Intellectual developmental disorder, autosomal recessive 7. Also called: Intellectual disability, autosomal recessive 7. Identifiers: Orphanet 88616, MedGen C1970197, MONDO:0012615, OMIM 611093.

Submission:

Variantyx, Inc.
Classification: Likely pathogenic for Intellectual developmental disorder, autosomal recessive 7. Last evaluated: 2025-11-27. Review status: criteria provided, single submitter. Criteria: Variantyx Assertion Criteria 2022. Collection method: clinical testing. Allele origin: germline. Inheritance: Autosomal recessive inheritance. Affected: no.
Comment: This is a nonsense variant in the TUSC3 gene (OMIM: 601385). Pathogenic variants in this gene have been associated with autosomal recessive intellectual developmental disorder 7. This variant introduces a premature termination codon in exon 2 out of 11 and is expected to result in loss of function, which is a known disease mechanism for TUSC3 in this disorder (PMID: 18455129, 25626710) (PVS1). This variant is absent from control populations (PM2). Based on the current evidence, this variant is classified as likely pathogenic for autosomal recessive intellectual developmental disorder 7.

Literature cited by the submitters: PubMed 18455129; PubMed 25626710.